The following is an entry in ClinVar:

NC_000014.8:g.(?_102891306)_(102901558_?)del

Gene: TECPR2 (tectonin beta-propeller repeat containing 2; plus strand). Cytogenetic location: 14q32.31.
Variant type: Deletion.
Identifiers: ClinVar variation 1076042 (VCV001076042.7).

ClinVar aggregate classification (germline): Pathogenic (1 of 4 stars; one submission).

Conditions:
Hereditary spastic paraplegia 49 (HSAN9). Also called: Spastic paraplegia 49, autosomal recessive; NEUROPATHY, HEREDITARY SENSORY AND AUTONOMIC, TYPE IX, WITH DEVELOPMENTAL DELAY; TECPR2-Related Hereditary Sensory and Autonomic Neuropathy with Intellectual Disability. Identifiers: Orphanet 320385, MedGen C5190860, MONDO:0014016, OMIM 615031.

Submission:

Labcorp Genetics (formerly Invitae), Labcorp
Classification: Pathogenic for Hereditary spastic paraplegia 49. Last evaluated: 2020-02-18. Review status: criteria provided, single submitter. Criteria: Invitae Variant Classification Sherloc (09022015). Collection method: clinical testing. Allele origin: germline.
Comment: Loss-of-function variants in TECPR2 are known to be pathogenic (PMID: 23176824, 25590979). For these reasons, this variant has been classified as Pathogenic. This variant has not been reported in the literature in individuals with TECPR2-related conditions. This variant is an out-of-frame deletion of the genomic region encompassing exons 6-9 of the TECPR2 gene. This is expected to create a premature translational stop signal and result in an absent or disrupted protein product.

Literature cited by the submitters: PubMed 23176824; PubMed 25590979.